The following is an entry in ClinVar:

ClinVar aggregate classification (germline): Conflicting classifications of pathogenicity. Review status: criteria provided, conflicting classifications (1 of 4 stars). 4 submissions from 4 submitters: Uncertain significance (2); Likely benign (2). Last evaluated 2026-01-09.

Conditions:
Familial thoracic aortic aneurysm and aortic dissection (TAAD). Also called: Thoracic aortic aneurysms and dissections. Identifiers: Orphanet 91387, MedGen C4707243, MONDO:0019625.
Aortic aneurysm, familial thoracic 4 (AAT4). Also called: AORTIC ANEURYSM/AORTIC DISSECTION AND PATENT DUCTUS ARTERIOSUS. Identifiers: MedGen C1851504, MONDO:0007568, OMIM 132900.

Allele frequency attached by ClinVar (database versions not stated): gnomAD 0.00009; TOPMed 0.00009; gnomAD exomes 0.00011; ExAC 0.00013.
gnomAD v4.1: 63 of 1,613,202 alleles (0.0039%); highest among the groups gnomAD compares: Admixed American, 0.062%; 2 homozygotes.

Submissions (4):

Labcorp Genetics (formerly Invitae), Labcorp
Classification: Likely benign for Aortic aneurysm, familial thoracic 4. Last evaluated: 2026-01-09. Review status: criteria provided, single submitter. Criteria: Invitae Variant Classification Sherloc (09022015). Collection method: clinical testing. Allele origin: germline.

Ambry Genetics
Classification: Uncertain significance for Familial thoracic aortic aneurysm and aortic dissection. Last evaluated: 2024-07-31. Review status: criteria provided, single submitter. Criteria: Ambry Variant Classification Scheme 2023. Collection method: clinical testing. Allele origin: germline.
Comment: The p.S1785C variant (also known as c.5353A>T), located in coding exon 37 of the MYH11 gene, results from an A to T substitution at nucleotide position 5353. The serine at codon 1785 is replaced by cysteine, an amino acid with dissimilar properties. This amino acid position is not well conserved in available vertebrate species. In addition, the in silico prediction for this alteration is inconclusive. Based on the available evidence, the clinical significance of this variant remains unclear.

Color Diagnostics, LLC DBA Color Health
Classification: Likely benign for Familial thoracic aortic aneurysm and aortic dissection. Last evaluated: 2024-04-25. Review status: criteria provided, single submitter. Criteria: ACMG Guidelines, 2015. Collection method: clinical testing. Allele origin: germline.

Cambridge Genomics Laboratory, East Genomic Laboratory Hub, NHS Genomic Medicine Service
Classification: Uncertain significance for Familial thoracic aortic aneurysm and aortic dissection. Last evaluated: 2020-03-20. Review status: criteria provided, single submitter. Criteria: ACGS Best Practice Guidelines for Variant Classification in Rare Disease 2020. Collection method: clinical testing. Allele origin: germline. Affected: yes. Observed: 1 variant allele.

NM_002474.3(MYH11):c.5353A>T (p.Ser1785Cys)

Genes: MYH11 (myosin heavy chain 11; minus strand), NDE1 (nudE neurodevelopment protein 1; plus strand). Cytogenetic location: 16p13.11.
Variant type: single nucleotide variant.
Coding change: c.5353A>T on transcript NM_002474.3 (MANE Select); coding-DNA position 5353, A replaced by T.
Protein change: p.Ser1785Cys; replaces serine 1785 with cysteine.
Molecular consequence: missense variant. On other transcripts: intron variant (2).
Genome position (GRCh38, 1-based): chr16:15,717,291, T>A on the plus strand (A>T on the coding strand, the complement: MYH11 is on the minus strand). VCF-style: chr16-15717291-T-A. GRCh37 (hg19) VCF-style: chr16-15811148-T-A.
Other names: c.5374A>T, p.Ser1792Cys (NM_001040113.2, NM_001040114.2); c.5353A>T, p.Ser1785Cys (NM_022844.3); c.948-6900T>A (NM_001143979.2, NM_017668.3); c.5353A>T (NM_002474.2); short protein forms S1785C, S1792C.
Identifiers: ClinVar variation 629737 (VCV000629737.16), dbSNP rs772663756, ClinGen allele CA7921296.